The following is an entry in ClinVar:

ClinVar aggregate classification (germline): Uncertain significance (1 of 4 stars; one submission).

Conditions:
Familial cancer of breast. Also called: hereditary breast carcinoma; BREAST CANCER, FAMILIAL; Hereditary breast cancer. Identifiers: Orphanet 227535, MedGen C0346153, MONDO:0016419, OMIM 114480. Disease mechanism: loss of function.

gnomAD v4.1: 2 of 1,613,156 alleles (0.00012%); highest among the groups gnomAD compares: Non-Finnish European, 0.00017%; no homozygotes.

Submission:

3billion
Classification: Uncertain significance for Familial cancer of breast. Last evaluated: 2025-12-26. Review status: criteria provided, single submitter. Criteria: ACMG Guidelines, 2015. Collection method: clinical testing. Allele origin: germline. Affected: yes.
Comment: The variant is observed at an extremely low frequency in the gnomAD v4.1.0 dataset (total allele frequency: <0.001%). Predicted Consequence/Location: Missense variant. Missense changes are a common disease-causing mechanism. In silico tool predictions suggest damaging effect of the variant on gene or gene product [3Cnet: 0.98 (> 0.75, sensitivity 0.96 and precision 0.92)]. Therefore, this variant is classified as VUS according to the recommendation of ACMG/AMP guideline.

NM_004985.5(KRAS):c.422T>A (p.Phe141Tyr)

Gene: KRAS (KRas proto-oncogene, GTPase; minus strand). Cytogenetic location: 12p12.1.
Variant type: single nucleotide variant.
Coding change: c.422T>A on transcript NM_004985.5 (MANE Select); coding-DNA position 422, T replaced by A.
Protein change: p.Phe141Tyr; replaces phenylalanine 141 with tyrosine.
Molecular consequence: missense variant.
Genome position (GRCh38, 1-based): chr12:25,225,642, A>T on the plus strand (T>A on the coding strand, the complement: KRAS is on the minus strand). VCF-style: chr12-25225642-A-T. GRCh37 (hg19) VCF-style: chr12-25378576-A-T.
Other names: c.422T>A, p.Phe141Tyr (NM_001369786.1, NM_001369787.1, NM_033360.4); short protein forms F141Y.
Identifiers: ClinVar variation 4854997 (VCV004854997.1).
Genomic context (GRCh38, chr12:25,225,642, plus strand): 5'-AACAGATCTGTATTTATTTCAGTGTTACTTACCTGTCTTGTCTTTGCTGATGTTTCAATA[A>T]AAGGAATTCCATAACTTCTTGCTAAGTCCTGAGCCTGTTTTGTGTCTACTGTTCTAGAAG-3'
Protein context (NP_004976.2, residues 131-151): QDLARSYGIP[Phe141Tyr]IETSAKTRQG